The following is an entry in ClinVar:

ClinVar aggregate classification (germline): Benign/Likely benign. Review status: criteria provided, multiple submitters, no conflicts (2 of 4 stars). 11 submissions from 10 submitters: Benign (6); Likely benign (1). 4 of the submissions do not count toward it. Last evaluated 2026-02-01.

Conditions:
Emery-Dreifuss muscular dystrophy 4, autosomal dominant (EDMD4). Also called: EMERY-DREIFUSS MUSCULAR DYSTROPHY 4 WITH VARIABLE FEATURES. Identifiers: Orphanet 261, MedGen C2751807, MONDO:0013071, OMIM 612998.
Autosomal recessive ataxia, Beauce type. Also called: SYNE1 Deficiency; Spinocerebellar ataxia, autosomal recessive 8; ATAXIA, RECESSIVE, OF BEAUCE; SYNE1-Related Autosomal Recessive Cerebellar Ataxia. Identifiers: Orphanet 88644, MedGen C1853116, MONDO:0012549, OMIM 610743.

Allele frequency attached by ClinVar (database versions not stated): 1000 Genomes Project 0.01158; 1000 Genomes Project 30x 0.01202; TOPMed 0.02061; gnomAD 0.02158 and 0.02183; ESP Exome Variant Server 0.02276; gnomAD exomes 0.02455; ExAC 0.02514.
gnomAD v4.1: 43,046 of 1,613,920 alleles (2.7%); highest among the groups gnomAD compares: Middle Eastern, 4.7%; 681 homozygotes.

Submissions (11):

Labcorp Genetics (formerly Invitae), Labcorp
Classification: Benign for Emery-Dreifuss muscular dystrophy 4, autosomal dominant; Autosomal recessive ataxia, Beauce type. Last evaluated: 2026-02-01. Review status: criteria provided, single submitter. Criteria: Invitae Variant Classification Sherloc (09022015). Collection method: clinical testing. Allele origin: germline.

Blueprint Genetics
Classification: Likely benign. Last evaluated: 2024-11-26. Review status: criteria provided, single submitter. Criteria: ACMG Guidelines, 2015. Collection method: clinical testing. Allele origin: germline.

Athena Diagnostics
Classification: Benign. Last evaluated: 2018-12-18. Review status: criteria provided, single submitter. Criteria: Athena Diagnostics Criteria. Collection method: clinical testing. Allele origin: germline.

Mayo Clinic Laboratories, Mayo Clinic
Classification: Benign. Last evaluated: 2018-05-08. Review status: criteria provided, single submitter. Criteria: ACMG Guidelines, 2015. Collection method: clinical testing. Allele origin: germline. Observed: 64 variant alleles.

Illumina Laboratory Services, Illumina
Classification: Benign for Autosomal recessive ataxia, Beauce type. Last evaluated: 2018-01-13. Review status: criteria provided, single submitter. Criteria: ICSL Variant Classification Criteria 13 December 2019. Collection method: clinical testing. Allele origin: germline.
Comment: This variant was observed in the ICSL laboratory as part of a predisposition screen in an ostensibly healthy population. It had not been previously curated by ICSL or reported in the Human Gene Mutation Database (HGMD: prior to June 1st, 2018), and was therefore a candidate for classification through an automated scoring system. Utilizing variant allele frequency, disease prevalence and penetrance estimates, and inheritance mode, an automated score was calculated to assess if this variant is too frequent to cause the disease. Based on the score and internal cut-off values, a variant classified as benign is not then subjected to further curation. The score for this variant resulted in a classification of benign for this disease.

Illumina Laboratory Services, Illumina
Classification: Benign for Emery-Dreifuss muscular dystrophy 4, autosomal dominant. Last evaluated: 2018-01-13. Review status: criteria provided, single submitter. Criteria: ICSL Variant Classification Criteria 13 December 2019. Collection method: clinical testing. Allele origin: germline.
Comment: the same text as in the submission from Illumina Laboratory Services, Illumina above.

GeneDx
Classification: Benign. Last evaluated: 2016-03-08. Review status: criteria provided, single submitter. Criteria: GeneDx Variant Classification (06012015). Collection method: clinical testing. Allele origin: germline. Affected: yes.
Comment: This variant is considered likely benign or benign based on one or more of the following criteria: it is a conservative change, it occurs at a poorly conserved position in the protein, it is predicted to be benign by multiple in silico algorithms, and/or has population frequency not consistent with disease.

Clinical Genetics DNA and cytogenetics Diagnostics Lab, Erasmus MC, Erasmus Medical Center
Classification: Benign. Review status: no assertion criteria provided. Collection method: clinical testing. Allele origin: germline. Affected: yes. Study: VKGL Data-share Consensus. Not counted in ClinVar's aggregate classification.

Clinical Genetics, Academic Medical Center
Classification: Benign. Review status: no assertion criteria provided. Collection method: clinical testing. Allele origin: germline. Affected: yes. Study: VKGL Data-share Consensus. Not counted in ClinVar's aggregate classification.

Genetic Services Laboratory, University of Chicago
Classification: Likely benign for AllHighlyPenetrant. Review status: no assertion criteria provided. Collection method: clinical testing. Allele origin: germline. Inheritance: Autosomal dominant inheritance. Not counted in ClinVar's aggregate classification.
Comment: Likely benign based on allele frequency in 1000 Genomes Project or ESP global frequency and its presence in a patient with a rare or unrelated disease phenotype. NOT Sanger confirmed.

Genome Diagnostics Laboratory, University Medical Center Utrecht
Classification: Benign. Review status: no assertion criteria provided. Collection method: clinical testing. Allele origin: germline. Affected: yes. Study: VKGL Data-share Consensus. Not counted in ClinVar's aggregate classification.

Literature cited by the submitters: PubMed 28178086 (cited by Athena Diagnostics).

NM_182961.4(SYNE1):c.2527C>T (p.Arg843Cys)

Gene: SYNE1 (spectrin repeat containing nuclear envelope protein 1; minus strand). Cytogenetic location: 6q25.2.
Variant type: single nucleotide variant.
Coding change: c.2527C>T on transcript NM_182961.4 (MANE Select); coding-DNA position 2527, C replaced by T.
Protein change: p.Arg843Cys; replaces arginine 843 with cysteine.
Molecular consequence: missense variant.
Genome position (GRCh38, 1-based): chr6:152,458,798, G>A on the plus strand (C>T on the coding strand, the complement: SYNE1 is on the minus strand). VCF-style: chr6-152458798-G-A. GRCh37 (hg19) VCF-style: chr6-152779933-G-A.
Other names: p.Arg850Cys; c.2548C>T, p.Arg850Cys (NM_033071.5); short protein forms R843C, R850C.
Identifiers: ClinVar variation 130431 (VCV000130431.24), dbSNP rs34610829, ClinGen allele CA155439.